The following is an entry in ClinVar:

ClinVar aggregate classification (germline): Pathogenic (1 of 4 stars; one submission).

Submission:

Labcorp Genetics (formerly Invitae), Labcorp
Classification: Pathogenic. Last evaluated: 2022-03-18. Review status: criteria provided, single submitter. Criteria: Invitae Variant Classification Sherloc (09022015). Collection method: clinical testing. Allele origin: germline.
Comment: This sequence change creates a premature translational stop signal (p.Leu1312*) in the MCM3AP gene. It is expected to result in an absent or disrupted protein product. Loss-of-function variants in MCM3AP are known to be pathogenic (PMID: 28633435). This variant is not present in population databases (gnomAD no frequency). This variant has not been reported in the literature in individuals affected with MCM3AP-related conditions. For these reasons, this variant has been classified as Pathogenic.

Literature cited by the submitters: PubMed 28633435.

NM_003906.5(MCM3AP):c.3935T>G (p.Leu1312Ter)

Gene: MCM3AP (minichromosome maintenance complex component 3 associated protein; minus strand). Cytogenetic location: 21q22.3.
Variant type: single nucleotide variant.
Coding change: c.3935T>G on transcript NM_003906.5 (MANE Select); coding-DNA position 3935, T replaced by G.
Protein change: p.Leu1312Ter; replaces leucine 1312 with a stop codon.
Molecular consequence: nonsense.
Genome position (GRCh38, 1-based): chr21:46,254,842, A>C on the plus strand (T>G on the coding strand, the complement: MCM3AP is on the minus strand). VCF-style: chr21-46254842-A-C. GRCh37 (hg19) VCF-style: chr21-47674756-A-C.
Other names: short protein forms L1312*.
Identifiers: ClinVar variation 2113664 (VCV002113664.4), dbSNP rs1477507686, ClinGen allele CA410549400.